The following is an entry in ClinVar:

NM_017617.5(NOTCH1):c.645C>T (p.Cys215=)

Gene: NOTCH1 (notch receptor 1; minus strand). Cytogenetic location: 9q34.3.
Variant type: single nucleotide variant.
Coding change: c.645C>T on transcript NM_017617.5 (MANE Select); coding-DNA position 645, C replaced by T.
Protein change: p.Cys215=; no amino-acid change (cysteine 215 retained).
Molecular consequence: synonymous variant.
Genome position (GRCh38, 1-based): chr9:136,522,947, G>A on the plus strand (C>T on the coding strand, the complement: NOTCH1 is on the minus strand). VCF-style: chr9-136522947-G-A. GRCh37 (hg19) VCF-style: chr9-139417399-G-A.
Other names: c.645C>T, p.Cys215= (LRG_1122t1).
Identifiers: ClinVar variation 520070 (VCV000520070.13), dbSNP rs974424401, ClinGen allele CA201589906.

ClinVar aggregate classification (germline): Conflicting classifications of pathogenicity. Review status: criteria provided, conflicting classifications (1 of 4 stars). 3 submissions from 3 submitters: Uncertain significance (1); Benign (1); Likely benign (1). Last evaluated 2026-02-03.

Conditions:
Adams-Oliver syndrome 5 (AOS5). Identifiers: Orphanet 974, MedGen C4014970, MONDO:0014459, OMIM 616028.
Familial thoracic aortic aneurysm and aortic dissection (TAAD). Also called: Thoracic aortic aneurysms and dissections. Identifiers: Orphanet 91387, MedGen C4707243, MONDO:0019625.

Allele frequency attached by ClinVar (database versions not stated): gnomAD exomes 0.00001; gnomAD 0.00002; TOPMed 0.00002.

Submissions (3):

Labcorp Genetics (formerly Invitae), Labcorp
Classification: Benign for Adams-Oliver syndrome 5. Last evaluated: 2026-02-03. Review status: criteria provided, single submitter. Criteria: Invitae Variant Classification Sherloc (09022015). Collection method: clinical testing. Allele origin: germline.

GeneDx
Classification: Uncertain significance. Last evaluated: 2019-08-01. Review status: criteria provided, single submitter. Criteria: GeneDx Variant Classification Process June 2021. Collection method: clinical testing. Allele origin: germline. Affected: yes.
Comment: Has not been previously published as pathogenic or benign to our knowledge; Reported in ClinVar (ClinVar Variant ID# 520070; Landrum et al., 2016); In-silico analysis, which includes splice predictors and evolutionary conservation, is inconclusive as to whether the variant alters gene splicing; in the absence of RNA/functional studies, the actual effect of this sequence change is unknown

Ambry Genetics
Classification: Likely benign for Familial thoracic aortic aneurysm and aortic dissection. Last evaluated: 2017-06-15. Review status: criteria provided, single submitter. Criteria: Ambry Variant Classification Scheme 2023. Collection method: clinical testing. Allele origin: germline.